The following is an entry in ClinVar:

NM_001904.4(CTNNB1):c.61G>A (p.Ala21Thr)

Genes: CTNNB1 (catenin beta 1; plus strand), LOC126806658 (BRD4-independent group 4 enhancer GRCh37_chr3:41265899-41267098; plus strand). Cytogenetic location: 3p22.1.
Variant type: single nucleotide variant.
Coding change: c.61G>A on transcript NM_001904.4 (MANE Select); coding-DNA position 61, G replaced by A.
Protein change: p.Ala21Thr; replaces alanine 21 with threonine.
Molecular consequence: missense variant.
Genome position (GRCh38, 1-based): chr3:41,224,573, G>A. VCF-style: chr3-41224573-G-A. GRCh37 (hg19) VCF-style: chr3-41266064-G-A.
Other names: c.61G>A, p.Ala21Thr (NM_001098209.2, NM_001098210.2); c.40G>A, p.Ala14Thr (NM_001330729.2); short protein forms A21T, A14T.
Identifiers: ClinVar variation 376224 (VCV000376224.4), dbSNP rs121913395, ClinGen allele CA16602677.
Genomic context (GRCh38, chr3:41,224,573, plus strand): 5'-TTCGTATTTATAGCTGATTTGATGGAGTTGGACATGGCCATGGAACCAGACAGAAAAGCG[G>A]CTGTTAGTCACTGGCAGCAACAGTCTTACCTGGACTCTGGAATCCATTCTGGTGCCACTA-3'
Protein context (NP_001895.1, residues 11-31): DMAMEPDRKA[Ala21Thr]VSHWQQQSYL

ClinVar aggregate classification (germline): Uncertain significance (1 of 4 stars; one submission).

Submission:

Labcorp Genetics (formerly Invitae), Labcorp
Classification: Uncertain significance. Last evaluated: 2023-07-16. Review status: criteria provided, single submitter. Criteria: Invitae Variant Classification Sherloc (09022015). Collection method: clinical testing. Allele origin: germline.
Comment: In summary, the available evidence is currently insufficient to determine the role of this variant in disease. Therefore, it has been classified as a Variant of Uncertain Significance. An algorithm developed to predict the effect of missense changes on protein structure and function (PolyPhen-2) suggests that this variant is likely to be tolerated. ClinVar contains an entry for this variant (Variation ID: 376224). This variant has not been reported in the literature in individuals affected with CTNNB1-related conditions. This variant is not present in population databases (gnomAD no frequency). This sequence change replaces alanine, which is neutral and non-polar, with threonine, which is neutral and polar, at codon 21 of the CTNNB1 protein (p.Ala21Thr).